The following is an entry in ClinVar:

NM_015015.3(KDM4B):c.778C>G (p.Arg260Gly)

Gene: KDM4B (lysine demethylase 4B; plus strand). Cytogenetic location: 19p13.3.
Variant type: single nucleotide variant.
Coding change: c.778C>G on transcript NM_015015.3 (MANE Select); coding-DNA position 778, C replaced by G.
Protein change: p.Arg260Gly; replaces arginine 260 with glycine.
Molecular consequence: missense variant.
Genome position (GRCh38, 1-based): chr19:5,077,468, C>G. VCF-style: chr19-5077468-C-G. GRCh37 (hg19) VCF-style: chr19-5077479-C-G.
Other names: c.778C>G, p.Arg260Gly (NM_001370093.1, NM_001370094.1); short protein forms R260G.
Identifiers: ClinVar variation 1700848 (VCV001700848.2), dbSNP rs779100416, ClinGen allele CA403494119.

ClinVar aggregate classification (germline): Uncertain significance (1 of 4 stars; one submission).

Submission:

GeneDx
Classification: Uncertain significance. Last evaluated: 2022-01-20. Review status: criteria provided, single submitter. Criteria: GeneDx Variant Classification Process June 2021. Collection method: clinical testing. Allele origin: germline. Affected: yes.
Comment: Not observed at significant frequency in large population cohorts (gnomAD); In silico analysis supports that this missense variant has a deleterious effect on protein structure/function; In silico analysis suggests this variant may impact gene splicing. In the absence of RNA/functional studies, the actual effect of this sequence change is unknown.; Has not been previously published as pathogenic or benign to our knowledge